The following is an entry in ClinVar:

NM_001127.4(AP1B1):c.1377C>T (p.Ile459=)

Gene: AP1B1 (adaptor related protein complex 1 subunit beta 1; minus strand). Cytogenetic location: 22q12.2.
Variant type: single nucleotide variant.
Coding change: c.1377C>T on transcript NM_001127.4 (MANE Select); coding-DNA position 1377, C replaced by T.
Protein change: p.Ile459=; no amino-acid change (isoleucine 459 retained).
Molecular consequence: synonymous variant.
Genome position (GRCh38, 1-based): chr22:29,349,278, G>A on the plus strand (C>T on the coding strand, the complement: AP1B1 is on the minus strand). VCF-style: chr22-29349278-G-A. GRCh37 (hg19) VCF-style: chr22-29745267-G-A.
Other names: c.1377C>T, p.Ile459= (NM_001166019.2, NM_001378562.1, NM_001378563.1 and 2 more transcripts); c.1206C>T, p.Ile402= (NM_001378564.1, NM_001378565.1).
Identifiers: ClinVar variation 5039706 (VCV005039706.1).

ClinVar aggregate classification (germline): Likely benign (1 of 4 stars; one submission).

gnomAD v4.1: 11 of 1,613,858 alleles (0.00068%); highest among the groups gnomAD compares: African/African-American, 0.0053%; no homozygotes.

Submission:

CeGaT Center for Human Genetics Tuebingen
Classification: Likely benign. Last evaluated: 2026-08-01. Review status: criteria provided, single submitter. Criteria: CeGaT Center For Human Genetics Tuebingen Variant Classification Criteria Version 2. Collection method: clinical testing. Allele origin: germline. Affected: yes. Observed: 1 variant allele.
Comment: AP1B1: BP4, BP7